The following is an entry in ClinVar:

ClinVar aggregate classification (germline): Uncertain significance. Review status: reviewed by expert panel (3 of 4 stars). 2 submissions from 2 submitters: Uncertain significance (1). 1 of the submissions does not count toward it. Last evaluated 2024-09-16.

Conditions:
Hereditary thrombocytopenia and hematologic cancer predisposition syndrome. Identifiers: Orphanet 71290, MedGen CN281654, MONDO:0011071.
Hereditary thrombocytopenia and hematological cancer predisposition syndrome associated with RUNX1. Also called: PLATELET DISORDER, ASPIRIN-LIKE; RUNX1 Familial Platelet Disorder with Associated Myeloid Malignancies; Familial Platelet Disorder with Propensity to Acute Myelogenous Leukemia; Familial thrombocytopenia with propensity to acute myelogenous leukemia. Identifiers: Orphanet 71290, MedGen C1832388, MeSH C563324, MONDO:0100083, OMIM 601399.

Allele frequency attached by ClinVar (database versions not stated): gnomAD 0.00001; gnomAD exomes 0.00005; 1000 Genomes Project 30x 0.00016.
gnomAD v4.1: 7 of 232,878 alleles (0.003%); highest among the groups gnomAD compares: East Asian, 0.037%; no homozygotes.

Submissions (2):

ClinGen Myeloid Malignancy Variant Curation Expert Panel
Classification: Uncertain significance for Hereditary thrombocytopenia and hematologic cancer predisposition syndrome. Last evaluated: 2024-09-16. Review status: reviewed by expert panel. Criteria: ClinGen MyeloMalig ACMG Specifications v2. Collection method: curation. Allele origin: germline. Inheritance: Autosomal dominant inheritance.
Comment: NM_001754.5(RUNX1):c.*3638G>A is a UTR variant which does not meet ant ACMG/AMP criteria. In summary, the clinical significance of this variant is uncertain. ACMG/AMP criteria applied, as specified by the Myeloid Malignancy Variant Curation Expert Panel for RUNX1: None.

Illumina Laboratory Services, Illumina
Classification: Uncertain significance for Hereditary thrombocytopenia and hematological cancer predisposition syndrome associated with RUNX1. Last evaluated: 2018-01-13. Review status: criteria provided, single submitter. Criteria: ICSL Variant Classification Criteria 13 December 2019. Collection method: clinical testing. Allele origin: germline. Not counted in ClinVar's aggregate classification.

NM_001754.5(RUNX1):c.*3638G>A

Gene: RUNX1 (RUNX family transcription factor 1; minus strand). Cytogenetic location: 21q22.12.
Variant type: single nucleotide variant.
Coding change: c.*3638G>A on transcript NM_001754.5 (MANE Select); 3638 bases downstream of the stop codon, G replaced by A.
Molecular consequence: 3 prime UTR variant.
Genome position (GRCh38, 1-based): chr21:34,788,497, C>T on the plus strand (G>A on the coding strand, the complement: RUNX1 is on the minus strand). VCF-style: chr21-34788497-C-T. GRCh37 (hg19) VCF-style: chr21-36160794-C-T.
Other names: c.*3638G>A (NM_001001890.3).
Identifiers: ClinVar variation 897094 (VCV000897094.5), dbSNP rs1568997203, ClinGen allele CA914658966.